The following is an entry in ClinVar:

ClinVar aggregate classification (germline): Uncertain significance. Review status: criteria provided, multiple submitters, no conflicts (2 of 4 stars). 2 submissions from 2 submitters: Uncertain significance (2). Last evaluated 2021-08-28.

Conditions:
Inborn genetic diseases. Identifiers: MedGen C0950123, MeSH D030342.
Developmental and epileptic encephalopathy, 12 (DEE12). Identifiers: MedGen C3150988, MONDO:0013389, OMIM 613722.

Allele frequency attached by ClinVar (database versions not stated): TOPMed below 0.00001.

Submissions (2):

Labcorp Genetics (formerly Invitae), Labcorp
Classification: Uncertain significance for Developmental and epileptic encephalopathy, 12. Last evaluated: 2021-08-28. Review status: criteria provided, single submitter. Criteria: Invitae Variant Classification Sherloc (09022015). Collection method: clinical testing. Allele origin: germline.
Comment: This sequence change replaces aspartic acid with histidine at codon 132 of the PNKP protein (p.Asp132His). The aspartic acid residue is weakly conserved and there is a moderate physicochemical difference between aspartic acid and histidine. This variant is not present in population databases (ExAC no frequency). This variant has not been reported in the literature in individuals affected with PNKP-related conditions. Algorithms developed to predict the effect of missense changes on protein structure and function are either unavailable or do not agree on the potential impact of this missense change (SIFT: "Deleterious"; PolyPhen-2: "Benign"; Align-GVGD: "Class C0"). In summary, the available evidence is currently insufficient to determine the role of this variant in disease. Therefore, it has been classified as a Variant of Uncertain Significance.

Ambry Genetics
Classification: Uncertain significance for Inborn genetic diseases. Last evaluated: 2017-12-14. Review status: criteria provided, single submitter. Criteria: Ambry Variant Classification Scheme 2023. Collection method: clinical testing. Allele origin: germline.
Comment: The p.D132H variant (also known as c.394G>C), located in coding exon 3 of the PNKP gene, results from a G to C substitution at nucleotide position 394. The aspartic acid at codon 132 is replaced by histidine, an amino acid with similar properties. This amino acid position is not well conserved in available vertebrate species. In addition, this alteration is predicted to be tolerated by in silico analysis. Since supporting evidence is limited at this time, the clinical significance of this alteration remains unclear.

NM_007254.4(PNKP):c.394G>C (p.Asp132His)

Gene: PNKP (polynucleotide kinase 3'-phosphatase; minus strand). Cytogenetic location: 19q13.33.
Variant type: single nucleotide variant.
Coding change: c.394G>C on transcript NM_007254.4 (MANE Select); coding-DNA position 394, G replaced by C.
Protein change: p.Asp132His; replaces aspartic acid 132 with histidine.
Molecular consequence: missense variant.
Genome position (GRCh38, 1-based): chr19:49,865,231, C>G on the plus strand (G>C on the coding strand, the complement: PNKP is on the minus strand). VCF-style: chr19-49865231-C-G. GRCh37 (hg19) VCF-style: chr19-50368488-C-G.
Other names: short protein forms D132H.
Identifiers: ClinVar variation 538896 (VCV000538896.11), dbSNP rs1555811583, ClinGen allele CA406889492.
Genomic context (GRCh38, chr19:49,865,231, plus strand): 5'-TCTCCAAGTTCTCCCAGCCGGGGTTTGACTTCCGCATACGCTTCTTCGGCAGCTCAGCAT[C>G]TCTCTTCTCATCTTGGGACACCAGAGGGGTGCCAGGCGGAGTATCTGGCTGGGATTCTGG-3'
Protein context (NP_009185.2, residues 122-142): TPLVSQDEKR[Asp132His]AELPKKRMRK